The following is an entry in ClinVar:

ClinVar aggregate classification (germline): Pathogenic/Likely pathogenic. Review status: criteria provided, multiple submitters, no conflicts (2 of 4 stars). 2 submissions from 2 submitters: Pathogenic (1); Likely pathogenic (1). Last evaluated 2019-02-05.

Conditions:
Hereditary cancer-predisposing syndrome. Also called: Hereditary neoplastic syndrome; Tumor predisposition; Neoplastic Syndromes, Hereditary; Hereditary Cancer Syndrome. Identifiers: Orphanet 140162, MedGen C0027672, MeSH D009386, MONDO:0015356.
Multiple endocrine neoplasia, type 1 (MEN1). Also called: MEN I; Endocrine adenomatosis multiple; MEN 1; WERMER SYNDROME; MEA I. Identifiers: Orphanet 652, MedGen C0025267, MeSH D018761, MONDO:0007540, OMIM 131100.

Submissions (2):

Human Genome Sequencing Center Clinical Lab, Baylor College of Medicine
Classification: Likely pathogenic for Multiple endocrine neoplasia 1. Last evaluated: 2019-02-05. Review status: criteria provided, single submitter. Criteria: ACMG Guidelines, 2015. Collection method: clinical testing. Allele origin: germline.
Comment: The c.1665_1668delTGAG (p.Ser555Argfs*3) variant in the MEN1 gene introduces a premature translation termination codon and is predicted to cause disruption of the functionally conserved NLS2 domain of the MEN1 protein. This variant has never been reported in general population databases. Therefore, the c.1665_1668delTGAG (p.Ser555Argfs*3) variant in the MEN1 gene is classified as likely pathogenic.

Ambry Genetics
Classification: Pathogenic for Hereditary cancer-predisposing syndrome. Last evaluated: 2017-03-20. Review status: criteria provided, single submitter. Criteria: Ambry Variant Classification Scheme 2023. Collection method: clinical testing. Allele origin: germline.
Comment: The c.1665_1668delTGAG pathogenic mutation, located in coding exon 9 of the MEN1 gene, results from a deletion of 4 nucleotides at nucleotide positions 1665 to 1668, causing a translational frameshift with a predicted alternate stop codon (p.S555Rfs*3). This alteration is expected to result in loss of function by premature protein truncation. As such, this alteration is interpreted as a disease-causing mutation.

NM_001370259.2(MEN1):c.1665_1668del (p.Ser555fs)

Gene: MEN1 (menin 1; minus strand). Cytogenetic location: 11q13.1.
Variant type: Deletion.
Coding change: c.1665_1668del on transcript NM_001370259.2 (MANE Select); coding-DNA positions 1665 to 1668, 4 bases deleted (TGAG; older notation c.1665_1668delTGAG).
Protein change: p.Ser555fs; shifts the reading frame from serine 555.
Molecular consequence: frameshift variant.
Genome position (GRCh38, 1-based): chr11:64,804,499-64,804,502, CTCA deleted on the plus strand (TGAG on the coding strand, the reverse complement: MEN1 is on the minus strand); deleting any 4 consecutive bases within chr11:64,804,499-64,804,505 gives the same sequence; the c. name uses the placement nearest the transcript's 3' end. VCF-style (leftmost placement, unchanged base first): chr11-64804498-TCTCA-T. GRCh37 (hg19) VCF-style: chr11-64571970-TCTCA-T.
Other names: c.1665_1668delTGAG (NM_130799.2); c.1680_1683del, p.Ser560fs (NM_000244.4, NM_130800.3, NM_130801.3 and 3 more transcripts); c.1791_1794del, p.Ser597fs (NM_001370251.2); c.1665_1668del, p.Ser555fs (NM_001370260.2, NM_001370261.2, NM_130799.3); c.1560_1563del, p.Ser520fs (NM_001370262.2, NM_001370263.2); short protein forms S555fs, S520fs, S560fs, S597fs.
Identifiers: ClinVar variation 428051 (VCV000428051.7), dbSNP rs1114167510, ClinGen allele CA645369569.